The following is an entry in ClinVar:

ClinVar aggregate classification (germline): Uncertain significance (1 of 4 stars; one submission).

Conditions:
Susceptibility to respiratory infections associated with CD8alpha chain mutation (IMD116). Also called: IMMUNODEFICIENCY 116; Cd8 deficiency, familial. Identifiers: Orphanet 169085, MedGen C1837065, MONDO:0012161, OMIM 608957.

Allele frequency attached by ClinVar (database versions not stated): gnomAD exomes 0.00001 and below 0.00001; TOPMed below 0.00001.
gnomAD v4.1: 17 of 1,613,402 alleles (0.0011%); highest among the groups gnomAD compares: Non-Finnish European, 0.0014%; no homozygotes.

Submission:

Labcorp Genetics (formerly Invitae), Labcorp
Classification: Uncertain significance for Susceptibility to respiratory infections associated with CD8alpha chain mutation. Last evaluated: 2024-03-11. Review status: criteria provided, single submitter. Criteria: Invitae Variant Classification Sherloc (09022015). Collection method: clinical testing. Allele origin: germline.
Comment: This sequence change replaces phenylalanine, which is neutral and non-polar, with valine, which is neutral and non-polar, at codon 132 of the CD8A protein (p.Phe132Val). This variant is present in population databases (no rsID available, gnomAD 0.0009%). This variant has not been reported in the literature in individuals affected with CD8A-related conditions. ClinVar contains an entry for this variant (Variation ID: 859339). An algorithm developed to predict the effect of missense changes on protein structure and function (PolyPhen-2) suggests that this variant is likely to be disruptive. In summary, the available evidence is currently insufficient to determine the role of this variant in disease. Therefore, it has been classified as a Variant of Uncertain Significance.

NM_001768.7(CD8A):c.394T>G (p.Phe132Val)

Gene: CD8A (CD8 subunit alpha; minus strand). Cytogenetic location: 2p11.2.
Variant type: single nucleotide variant.
Coding change: c.394T>G on transcript NM_001768.7 (MANE Select); coding-DNA position 394, T replaced by G.
Protein change: p.Phe132Val; replaces phenylalanine 132 with valine.
Molecular consequence: missense variant. On other transcripts: non-coding transcript variant (3).
Genome position (GRCh38, 1-based): chr2:86,790,337, A>C on the plus strand (T>G on the coding strand, the complement: CD8A is on the minus strand). VCF-style: chr2-86790337-A-C. GRCh37 (hg19) VCF-style: chr2-87017460-A-C.
Other names: c.394T>G, p.Phe132Val (NM_001145873.1, NM_001382698.1, NM_171827.4); short protein forms F132V.
Identifiers: ClinVar variation 859339 (VCV000859339.10), dbSNP rs1293561368, ClinGen allele CA347576705.